The following is an entry in ClinVar:

NM_001379500.1(COL18A1):c.1856_1857dup (p.Pro620fs)

Gene: COL18A1 (collagen type XVIII alpha 1 chain; plus strand). Cytogenetic location: 21q22.3.
Variant type: Duplication.
Coding change: c.1856_1857dup on transcript NM_001379500.1 (MANE Select); coding-DNA positions 1856 to 1857, 2 bases duplicated (GG; older notation c.1856_1857dupGG).
Protein change: p.Pro620fs; shifts the reading frame from proline 620.
Molecular consequence: frameshift variant.
Genome position (GRCh38, 1-based): chr21:45,487,469-45,487,470, GG duplicated; duplicating any 2 consecutive bases within chr21:45,487,465-45,487,470 gives the same sequence; the c. name uses the placement nearest the transcript's 3' end. VCF-style (leftmost placement, unchanged base first): chr21-45487464-C-CGG. GRCh37 (hg19) VCF-style: chr21-46907378-C-CGG.
Other names: c.2396_2397dup, p.Pro800fs (NM_030582.4); c.3101_3102dup, p.Pro1035fs (NM_130444.3); short protein forms P620fs, P1035fs, P800fs.
Identifiers: ClinVar variation 3662344 (VCV003662344.2).
Genomic context (GRCh38, chr21:45,487,464, plus strand): 5'-AGAAGGGACACAGGCCCCTACGTGTCTCGTGTGTCTCTTCCAGGATGACATGGAAGGCTC[C>CGG]GGGGGGCCCTTCTGGTCAACAGCCCGAAGCGCTGATGGGCCACAGGTAGTGTTGTGAGCT-3'

ClinVar aggregate classification (germline): Pathogenic (1 of 4 stars; one submission).

Submission:

Labcorp Genetics (formerly Invitae), Labcorp
Classification: Pathogenic. Last evaluated: 2024-08-14. Review status: criteria provided, single submitter. Criteria: Invitae Variant Classification Sherloc (09022015). Collection method: clinical testing. Allele origin: germline.
Comment: This sequence change creates a premature translational stop signal (p.Pro620Glyfs*105) in the COL18A1 gene. It is expected to result in an absent or disrupted protein product. Loss-of-function variants in COL18A1 are known to be pathogenic (PMID: 12415512, 25456301). This variant is not present in population databases (gnomAD no frequency). This variant has not been reported in the literature in individuals affected with COL18A1-related conditions. For these reasons, this variant has been classified as Pathogenic.

Literature cited by the submitters: PubMed 12415512; PubMed 25456301.